The following is an entry in ClinVar:

NM_022835.3(PLEKHG2):c.1045C>T (p.Arg349Cys)

Gene: PLEKHG2 (pleckstrin homology and RhoGEF domain containing G2; plus strand). Cytogenetic location: 19q13.2.
Variant type: single nucleotide variant.
Coding change: c.1045C>T on transcript NM_022835.3 (MANE Select); coding-DNA position 1045, C replaced by T.
Protein change: p.Arg349Cys; replaces arginine 349 with cysteine.
Molecular consequence: missense variant.
Genome position (GRCh38, 1-based): chr19:39,418,067, C>T. VCF-style: chr19-39418067-C-T. GRCh37 (hg19) VCF-style: chr19-39908707-C-T.
Other names: c.868C>T, p.Arg290Cys (NM_001351693.2); c.1045C>T, p.Arg349Cys (NM_001351694.2); short protein forms R290C, R349C.
Identifiers: ClinVar variation 2163229 (VCV002163229.4), dbSNP rs377502927, ClinGen allele CA9429320.

ClinVar aggregate classification (germline): Uncertain significance (1 of 4 stars; one submission).

Allele frequency attached by ClinVar (database versions not stated): gnomAD 0.00005; ExAC 0.00006; TOPMed 0.00006; ESP Exome Variant Server 0.00008; gnomAD exomes 0.00013.

Submission:

Labcorp Genetics (formerly Invitae), Labcorp
Classification: Uncertain significance. Last evaluated: 2022-05-25. Review status: criteria provided, single submitter. Criteria: Invitae Variant Classification Sherloc (09022015). Collection method: clinical testing. Allele origin: germline.
Comment: In summary, the available evidence is currently insufficient to determine the role of this variant in disease. Therefore, it has been classified as a Variant of Uncertain Significance. Algorithms developed to predict the effect of missense changes on protein structure and function (SIFT, PolyPhen-2, Align-GVGD) all suggest that this variant is likely to be disruptive. This variant has not been reported in the literature in individuals affected with PLEKHG2-related conditions. This variant is present in population databases (rs377502927, gnomAD 0.008%). This sequence change replaces arginine, which is basic and polar, with cysteine, which is neutral and slightly polar, at codon 349 of the PLEKHG2 protein (p.Arg349Cys).